The following is an entry in ClinVar:

ClinVar aggregate classification (germline): Uncertain significance. Review status: criteria provided, multiple submitters, no conflicts (2 of 4 stars). 2 submissions from 2 submitters: Uncertain significance (2). Last evaluated 2025-03-06.

Allele frequency attached by ClinVar (database versions not stated): ExAC 0.00001; gnomAD 0.00001; gnomAD exomes 0.00003.
gnomAD v4.1: 48 of 1,612,844 alleles (0.003%); highest among the groups gnomAD compares: Middle Eastern, 0.2%; 2 homozygotes.

Submissions (2):

GeneDx
Classification: Uncertain significance. Last evaluated: 2025-03-06. Review status: criteria provided, single submitter. Criteria: GeneDx Variant Classification Process June 2021. Collection method: clinical testing. Allele origin: germline. Affected: yes.
Comment: In silico analysis indicates that this missense variant does not alter protein structure/function; Has not been previously published as pathogenic or benign to our knowledge

Genetic Services Laboratory, University of Chicago
Classification: Uncertain significance. Last evaluated: 2018-01-04. Review status: criteria provided, single submitter. Criteria: ACMG Guidelines, 2015. Collection method: clinical testing. Allele origin: germline. Affected: no.

NM_030928.4(CDT1):c.535C>A (p.Pro179Thr)

Gene: CDT1 (chromatin licensing and DNA replication factor 1; plus strand). Cytogenetic location: 16q24.3.
Variant type: single nucleotide variant.
Coding change: c.535C>A on transcript NM_030928.4 (MANE Select); coding-DNA position 535, C replaced by A.
Protein change: p.Pro179Thr; replaces proline 179 with threonine.
Molecular consequence: missense variant.
Genome position (GRCh38, 1-based): chr16:88,805,486, C>A. VCF-style: chr16-88805486-C-A. GRCh37 (hg19) VCF-style: chr16-88871894-C-A.
Other names: short protein forms P179T.
Identifiers: ClinVar variation 1337809 (VCV001337809.5), dbSNP rs749112424, ClinGen allele CA8233693.